The following is an entry in ClinVar:

ClinVar aggregate classification (germline): Uncertain significance (1 of 4 stars; one submission).

Conditions:
Spastic paraplegia. Identifiers: MedGen C0037772, HP:0001258.

Allele frequency attached by ClinVar (database versions not stated): TOPMed 0.00006.
gnomAD v4.1: 6 of 1,614,010 alleles (0.00037%); highest among the groups gnomAD compares: Admixed American, 0.01%; no homozygotes.

Submission:

Labcorp Genetics (formerly Invitae), Labcorp
Classification: Uncertain significance for Spastic paraplegia. Last evaluated: 2022-08-19. Review status: criteria provided, single submitter. Criteria: Invitae Variant Classification Sherloc (09022015). Collection method: clinical testing. Allele origin: germline.
Comment: This sequence change replaces phenylalanine, which is neutral and non-polar, with leucine, which is neutral and non-polar, at codon 2398 of the ZFYVE26 protein (p.Phe2398Leu). This variant is present in population databases (no rsID available, gnomAD 0.009%). This variant has not been reported in the literature in individuals affected with ZFYVE26-related conditions. Algorithms developed to predict the effect of missense changes on protein structure and function are either unavailable or do not agree on the potential impact of this missense change (SIFT: "Deleterious"; PolyPhen-2: "Possibly Damaging"; Align-GVGD: "Class C0"). In summary, the available evidence is currently insufficient to determine the role of this variant in disease. Therefore, it has been classified as a Variant of Uncertain Significance.

NM_015346.4(ZFYVE26):c.7194C>G (p.Phe2398Leu)

Gene: ZFYVE26 (zinc finger FYVE-type containing 26; minus strand). Cytogenetic location: 14q24.1.
Variant type: single nucleotide variant.
Coding change: c.7194C>G on transcript NM_015346.4 (MANE Select); coding-DNA position 7194, C replaced by G.
Protein change: p.Phe2398Leu; replaces phenylalanine 2398 with leucine.
Molecular consequence: missense variant.
Genome position (GRCh38, 1-based): chr14:67,752,521, G>C on the plus strand (C>G on the coding strand, the complement: ZFYVE26 is on the minus strand). VCF-style: chr14-67752521-G-C. GRCh37 (hg19) VCF-style: chr14-68219238-G-C.
Other names: short protein forms F2398L.
Identifiers: ClinVar variation 1896627 (VCV001896627.2), dbSNP rs1267754295, ClinGen allele CA390158821.